The following is an entry in ClinVar:

NM_002294.3(LAMP2):c.*3452T>C

Gene: LAMP2 (lysosome associated membrane protein 2; minus strand). Cytogenetic location: Xq24.
Variant type: single nucleotide variant.
Coding change: c.*3452T>C on transcript NM_002294.3 (MANE Select); 3452 bases downstream of the stop codon, T replaced by C.
Molecular consequence: 3 prime UTR variant.
Genome position (GRCh38, 1-based): chrX:120,427,871, A>G on the plus strand (T>C on the coding strand, the complement: LAMP2 is on the minus strand). VCF-style: chrX-120427871-A-G. GRCh37 (hg19) VCF-style: chrX-119561726-A-G.
Other names: c.*613T>C (NM_001122606.1).
Identifiers: ClinVar variation 914578 (VCV000914578.4), dbSNP rs752469856, ClinGen allele CA335012114.

ClinVar aggregate classification (germline): Benign (1 of 4 stars; one submission).

Conditions:
Danon disease. Also called: ANTOPOL DISEASE; PSEUDOGLYCOGENOSIS II; GSD IIb; LYSOSOMAL GLYCOGEN STORAGE DISEASE WITHOUT ACID MALTASE DEFICIENCY; Glycogen Storage Disease Type IIb. Identifiers: Orphanet 34587, MedGen C0878677, MONDO:0010281, OMIM 300257.

Allele frequency attached by ClinVar (database versions not stated): TOPMed 0.00007; gnomAD 0.00014 and 0.00015; 1000 Genomes Project 0.00053; 1000 Genomes Project 30x 0.00062.

Submission:

Illumina Laboratory Services, Illumina
Classification: Benign for Danon disease. Last evaluated: 2018-01-13. Review status: criteria provided, single submitter. Criteria: ICSL Variant Classification Criteria 13 December 2019. Collection method: clinical testing. Allele origin: germline.
Comment: This variant was observed in the ICSL laboratory as part of a predisposition screen in an ostensibly healthy population. It had not been previously curated by ICSL or reported in the Human Gene Mutation Database (HGMD: prior to June 1st, 2018), and was therefore a candidate for classification through an automated scoring system. Utilizing variant allele frequency, disease prevalence and penetrance estimates, and inheritance mode, an automated score was calculated to assess if this variant is too frequent to cause the disease. Based on the score and internal cut-off values, a variant classified as benign is not then subjected to further curation. The score for this variant resulted in a classification of benign for this disease.